The following is an entry in ClinVar:

NM_004820.5(CYP7B1):c.608G>A (p.Cys203Tyr)

Gene: CYP7B1 (cytochrome P450 family 7 subfamily B member 1; minus strand). Cytogenetic location: 8q12.3.
Variant type: single nucleotide variant.
Coding change: c.608G>A on transcript NM_004820.5 (MANE Select); coding-DNA position 608, G replaced by A.
Protein change: p.Cys203Tyr; replaces cysteine 203 with tyrosine.
Molecular consequence: missense variant.
Genome position (GRCh38, 1-based): chr8:64,615,933, C>T on the plus strand (G>A on the coding strand, the complement: CYP7B1 is on the minus strand). VCF-style: chr8-64615933-C-T. GRCh37 (hg19) VCF-style: chr8-65528490-C-T.
Other names: c.608G>A, p.Cys203Tyr (NM_001324112.2); short protein forms C203Y.
Identifiers: ClinVar variation 643833 (VCV000643833.5), dbSNP rs746173425, ClinGen allele CA4764180.

ClinVar aggregate classification (germline): Uncertain significance. Review status: criteria provided, multiple submitters, no conflicts (2 of 4 stars). 2 submissions from 2 submitters: Uncertain significance (2). Last evaluated 2024-06-24.

Conditions:
Spastic paraplegia. Identifiers: MedGen C0037772, HP:0001258.

Allele frequency attached by ClinVar (database versions not stated): ExAC 0.00002; gnomAD 0.00002; gnomAD exomes 0.00002 and 0.00003; TOPMed 0.00002.
gnomAD v4.1: 51 of 1,613,392 alleles (0.0032%); highest among the groups gnomAD compares: Non-Finnish European, 0.0042%; no homozygotes.

Submissions (2):

Athena Diagnostics
Classification: Uncertain significance. Last evaluated: 2024-06-24. Review status: criteria provided, single submitter. Criteria: Athena Diagnostics Criteria. Collection method: clinical testing. Allele origin: unknown.
Comment: Available data are insufficient to determine the clinical significance of the variant at this time. The frequency of this variant in the general population is uninformative in assessment of its pathogenicity. Polyphen and MutationTaster predict this amino acid change may be benign.

Labcorp Genetics (formerly Invitae), Labcorp
Classification: Uncertain significance for Spastic paraplegia. Last evaluated: 2024-01-02. Review status: criteria provided, single submitter. Criteria: Invitae Variant Classification Sherloc (09022015). Collection method: clinical testing. Allele origin: germline.
Comment: This sequence change replaces cysteine, which is neutral and slightly polar, with tyrosine, which is neutral and polar, at codon 203 of the CYP7B1 protein (p.Cys203Tyr). This variant is present in population databases (rs746173425, gnomAD 0.002%). This variant has not been reported in the literature in individuals affected with CYP7B1-related conditions. ClinVar contains an entry for this variant (Variation ID: 643833). Advanced modeling of protein sequence and biophysical properties (such as structural, functional, and spatial information, amino acid conservation, physicochemical variation, residue mobility, and thermodynamic stability) performed at Invitae indicates that this missense variant is not expected to disrupt CYP7B1 protein function with a negative predictive value of 80%. In summary, the available evidence is currently insufficient to determine the role of this variant in disease. Therefore, it has been classified as a Variant of Uncertain Significance.

Literature cited by the submitters: PubMed 30799092 (cited by Athena Diagnostics).